The following is an entry in ClinVar:

ClinVar aggregate classification (germline): Likely benign (1 of 4 stars; one submission).

Allele frequency attached by ClinVar (database versions not stated): ExAC 0.00006; gnomAD 0.00007 and 0.00008; gnomAD exomes 0.00007; TOPMed 0.00008; ESP Exome Variant Server 0.00015.
gnomAD v4.1: 215 of 1,609,082 alleles (0.013%); highest among the groups gnomAD compares: Non-Finnish European, 0.016%; no homozygotes.

Submission:

GeneDx
Classification: Likely benign. Last evaluated: 2016-07-27. Review status: criteria provided, single submitter. Criteria: GeneDx Variant Classification (06012015). Collection method: clinical testing. Allele origin: germline. Affected: yes.
Comment: This variant is considered likely benign or benign based on one or more of the following criteria: it is a conservative change, it occurs at a poorly conserved position in the protein, it is predicted to be benign by multiple in silico algorithms, and/or has population frequency not consistent with disease.

NM_152713.5(STT3A):c.616-12A>G

Gene: STT3A (STT3 oligosaccharyltransferase complex catalytic subunit A; plus strand). Cytogenetic location: 11q24.2.
Variant type: single nucleotide variant.
Coding change: c.616-12A>G on transcript NM_152713.5 (MANE Select); 12 bases into the intron before coding-DNA position 616, A replaced by G.
Molecular consequence: intron variant.
Genome position (GRCh38, 1-based): chr11:125,606,289, A>G. VCF-style: chr11-125606289-A-G. GRCh37 (hg19) VCF-style: chr11-125476184-A-G.
Other names: c.616-12A>G (NM_001278503.2); c.340-12A>G (NM_001278504.2).
Identifiers: ClinVar variation 387767 (VCV000387767.1), dbSNP rs372515535, ClinGen allele CA6348893.
Genomic context (GRCh38, chr11:125,606,289, plus strand): 5'-TATCCTACAATATAGTGGTGGTGGTCTGAGGAGGCATACTCAGAGGAACTGTTTTTTTCT[A>G]TTCCATCATAGGTCTCGTCATGGGGAGGTTATGTGTTCCTGATCAACTTAATTCCTCTCC-3'